The following is an entry in ClinVar:

ClinVar aggregate classification (germline): Uncertain significance (1 of 4 stars; one submission).

Conditions:
Hereditary cancer-predisposing syndrome. Also called: Hereditary Cancer Syndrome; Neoplastic Syndromes, Hereditary; Tumor predisposition; Hereditary neoplastic syndrome. Identifiers: Orphanet 140162, MedGen C0027672, MeSH D009386, MONDO:0015356.

Submission:

Ambry Genetics
Classification: Uncertain significance for Hereditary cancer-predisposing syndrome. Last evaluated: 2021-08-08. Review status: criteria provided, single submitter. Criteria: Ambry Variant Classification Scheme 2023. Collection method: clinical testing. Allele origin: germline.
Comment: The p.A176S variant (also known as c.526G>T), located in coding exon 6 of the FANCC gene, results from a G to T substitution at nucleotide position 526. The alanine at codon 176 is replaced by serine, an amino acid with similar properties. This amino acid position is conserved. In addition, this alteration is predicted to be tolerated by in silico analysis. Since supporting evidence is limited at this time, the clinical significance of this alteration remains unclear.

NM_000136.3(FANCC):c.526G>T (p.Ala176Ser)

Genes: FANCC (FA complementation group C; minus strand), AOPEP (aminopeptidase O (putative); plus strand). Cytogenetic location: 9q22.32.
Variant type: single nucleotide variant.
Coding change: c.526G>T on transcript NM_000136.3 (MANE Select); coding-DNA position 526, G replaced by T.
Protein change: p.Ala176Ser; replaces alanine 176 with serine.
Molecular consequence: missense variant.
Genome position (GRCh38, 1-based): chr9:95,150,083, C>A on the plus strand (G>T on the coding strand, the complement: FANCC is on the minus strand). VCF-style: chr9-95150083-C-A. GRCh37 (hg19) VCF-style: chr9-97912365-C-A.
Other names: c.526G>T, p.Ala176Ser (NM_001243743.2, NM_001243744.2); short protein forms A176S.
Identifiers: ClinVar variation 1746508 (VCV001746508.2), dbSNP rs767389988, ClinGen allele CA374109899.
Genomic context (GRCh38, chr9:95,150,083, plus strand): 5'-CATCTGTCAGGGTAATAAGTGGGACACAAACTCGTGACAGGGACGCCACTCGCTCGGGAG[C>A]CATTCTATGGAAGAAATAAGAAATAATCACTCAAATCTAAGAGCCATGCATAATTAAGGA-3'
Protein context (NP_000127.2, residues 166-186): LNGFNTQRRM[Ala176Ser]PERVASLSRV